The following is an entry in ClinVar:

ClinVar aggregate classification (germline): Uncertain significance. Review status: criteria provided, multiple submitters, no conflicts (2 of 4 stars). 3 submissions from 3 submitters: Uncertain significance (3). Last evaluated 2021-09-01.

Conditions:
Hereditary cancer-predisposing syndrome. Also called: Hereditary neoplastic syndrome; Neoplastic Syndromes, Hereditary; Tumor predisposition; Hereditary Cancer Syndrome. Identifiers: Orphanet 140162, MedGen C0027672, MeSH D009386, MONDO:0015356.
Hereditary diffuse gastric adenocarcinoma (HDGC). Also called: DIFFUSE GASTRIC AND LOBULAR BREAST CANCER SYNDROME. Identifiers: Orphanet 26106, MedGen C1708349, MONDO:0007648, OMIM 137215.

Submissions (3):

Labcorp Genetics (formerly Invitae), Labcorp
Classification: Uncertain significance for Hereditary diffuse gastric adenocarcinoma. Last evaluated: 2021-09-01. Review status: criteria provided, single submitter. Criteria: Invitae Variant Classification Sherloc (09022015). Collection method: clinical testing. Allele origin: germline.
Comment: This sequence change replaces proline with leucine at codon 620 of the CDH1 protein (p.Pro620Leu). The proline residue is highly conserved and there is a moderate physicochemical difference between proline and leucine. This variant is not present in population databases (ExAC no frequency). This variant has not been reported in the literature in individuals affected with CDH1-related conditions. Algorithms developed to predict the effect of missense changes on protein structure and function are either unavailable or do not agree on the potential impact of this missense change (SIFT: "Tolerated"; PolyPhen-2: "Possibly Damaging"; Align-GVGD: "Class C0"). In summary, the available evidence is currently insufficient to determine the role of this variant in disease. Therefore, it has been classified as a Variant of Uncertain Significance.

Ambry Genetics
Classification: Uncertain significance for Hereditary cancer-predisposing syndrome. Last evaluated: 2020-09-29. Review status: criteria provided, single submitter. Criteria: Ambry Variant Classification Scheme 2023. Collection method: clinical testing. Allele origin: germline.
Comment: The p.P620L variant (also known as c.1859C>T), located in coding exon 12 of the CDH1 gene, results from a C to T substitution at nucleotide position 1859. The proline at codon 620 is replaced by leucine, an amino acid with similar properties. This amino acid position is well conserved in available vertebrate species. In addition, this alteration is predicted to be tolerated by in silico analysis. Since supporting evidence is limited at this time, the clinical significance of this alteration remains unclear.

Women's Health and Genetics/Laboratory Corporation of America, LabCorp
Classification: Uncertain significance. Last evaluated: 2019-01-15. Review status: criteria provided, single submitter. Criteria: LabCorp Variant Classification Summary - May 2015. Collection method: clinical testing. Allele origin: germline.
Comment: Variant summary: CDH1 c.1859C>T (p.Pro620Leu) results in a non-conservative amino acid change located in the Cadherin-like domain of the encoded protein sequence. Four of five in-silico tools predict a damaging effect of the variant on protein function. The variant was absent in 246256 control chromosomes. The available data on variant occurrences in the general population are insufficient to allow any conclusion about variant significance. To our knowledge, no occurrence of c.1859C>T in individuals affected with Hereditary Diffuse Gastric Cancer and no experimental evidence demonstrating its impact on protein function have been reported. One clinical diagnostic laboratory has submitted clinical-significance assessments for this variant to ClinVar after 2014 without evidence for independent evaluation. One laboratory classified the variant as uncertain significance. Based on the evidence outlined above, the variant was classified as uncertain significance.

NM_004360.5(CDH1):c.1859C>T (p.Pro620Leu)

Gene: CDH1 (cadherin 1; plus strand). Cytogenetic location: 16q22.1.
Variant type: single nucleotide variant.
Coding change: c.1859C>T on transcript NM_004360.5 (MANE Select); coding-DNA position 1859, C replaced by T.
Protein change: p.Pro620Leu; replaces proline 620 with leucine.
Molecular consequence: missense variant. On other transcripts: 5 prime UTR variant (1).
Genome position (GRCh38, 1-based): chr16:68,822,148, C>T. VCF-style: chr16-68822148-C-T. GRCh37 (hg19) VCF-style: chr16-68856051-C-T.
Other names: c.1859C>T (LRG_301t1); c.1676C>T, p.Pro559Leu (NM_001317184.2); c.311C>T, p.Pro104Leu (NM_001317185.2); c.-107C>T (NM_001317186.2); short protein forms P620L, P104L, P559L.
Identifiers: ClinVar variation 463733 (VCV000463733.9), dbSNP rs1555516871, ClinGen allele CA396467041.